The following is an entry in ClinVar:

NM_004360.5(CDH1):c.2218C>G (p.Pro740Ala)

Gene: CDH1 (cadherin 1; plus strand). Cytogenetic location: 16q22.1.
Variant type: single nucleotide variant.
Coding change: c.2218C>G on transcript NM_004360.5 (MANE Select); coding-DNA position 2218, C replaced by G.
Protein change: p.Pro740Ala; replaces proline 740 with alanine.
Molecular consequence: missense variant.
Genome position (GRCh38, 1-based): chr16:68,828,227, C>G. VCF-style: chr16-68828227-C-G. GRCh37 (hg19) VCF-style: chr16-68862130-C-G.
Other names: c.2218C>G (LRG_301t1, NM_004360.4); c.2035C>G, p.Pro679Ala (NM_001317184.2); c.670C>G, p.Pro224Ala (NM_001317185.2); c.253C>G, p.Pro85Ala (NM_001317186.2); short protein forms P740A, P224A, P679A, P85A.
Identifiers: ClinVar variation 483257 (VCV000483257.11), dbSNP rs773795943, ClinGen allele CA396469650.
Genomic context (GRCh38, chr16:68,828,227, plus strand): 5'-ATCCCAGTTCTGATTCTGCTGCTCTTGCTGTTTCTTCGGAGGAGAGCGGTGGTCAAAGAG[C>G]CCTTACTGCCCCCAGAGGATGACACCCGGGACAACGTTTATTACTATGATGAAGAAGGAG-3'
Protein context (NP_004351.1, residues 730-750): FLRRRAVVKE[Pro740Ala]LLPPEDDTRD

ClinVar aggregate classification (germline): Uncertain significance. Review status: criteria provided, multiple submitters, no conflicts (2 of 4 stars). 3 submissions from 3 submitters: Uncertain significance (3). Last evaluated 2024-01-17.

Conditions:
Hereditary cancer-predisposing syndrome. Also called: Hereditary neoplastic syndrome; Neoplastic Syndromes, Hereditary; Tumor predisposition; Hereditary Cancer Syndrome. Identifiers: Orphanet 140162, MedGen C0027672, MeSH D009386, MONDO:0015356.
Hereditary diffuse gastric adenocarcinoma (HDGC). Also called: DIFFUSE GASTRIC AND LOBULAR BREAST CANCER SYNDROME. Identifiers: Orphanet 26106, MedGen C1708349, MONDO:0007648, OMIM 137215.

Submissions (3):

Quest Diagnostics Nichols Institute San Juan Capistrano
Classification: Uncertain significance. Last evaluated: 2024-01-17. Review status: criteria provided, single submitter. Criteria: Quest Diagnostics criteria. Collection method: clinical testing. Allele origin: unknown.
Comment: The CDH1 c.2218C>G (p.Pro740Ala) variant has not been reported in individuals with CDH1-related conditions in the published literature. It also has not been reported in large, multi-ethnic general populations (Genome Aggregation Database). Analysis of this variant using bioinformatics tools for the prediction of the effect of amino acid changes on protein structure and function yielded conflicting predictions that this variant is benign or damaging. Based on the available information, we are unable to determine the clinical significance of this variant.

Labcorp Genetics (formerly Invitae), Labcorp
Classification: Uncertain significance for Hereditary diffuse gastric adenocarcinoma. Last evaluated: 2023-10-18. Review status: criteria provided, single submitter. Criteria: Invitae Variant Classification Sherloc (09022015). Collection method: clinical testing. Allele origin: germline.
Comment: This sequence change replaces proline, which is neutral and non-polar, with alanine, which is neutral and non-polar, at codon 740 of the CDH1 protein (p.Pro740Ala). This variant is not present in population databases (gnomAD no frequency). This variant has not been reported in the literature in individuals affected with CDH1-related conditions. ClinVar contains an entry for this variant (Variation ID: 483257). An algorithm developed to predict the effect of missense changes on protein structure and function (PolyPhen-2) suggests that this variant is likely to be disruptive. In summary, the available evidence is currently insufficient to determine the role of this variant in disease. Therefore, it has been classified as a Variant of Uncertain Significance.

Ambry Genetics
Classification: Uncertain significance for Hereditary cancer-predisposing syndrome. Last evaluated: 2016-12-08. Review status: criteria provided, single submitter. Criteria: Ambry Variant Classification Scheme 2023. Collection method: clinical testing. Allele origin: germline.
Comment: The p.P740A variant (also known as c.2218C>G), located in coding exon 14 of the CDH1 gene, results from a C to G substitution at nucleotide position 2218. The proline at codon 740 is replaced by alanine, an amino acid with highly similar properties. This amino acid position is not well conserved in available vertebrate species. In addition, this alteration is predicted to be tolerated by in silico analysis. Since supporting evidence is limited at this time, the clinical significance of this alteration remains unclear.